The following is an entry in ClinVar:

ClinVar aggregate classification (germline): Likely pathogenic (1 of 4 stars; one submission).

Conditions:
Combined PSAP deficiency (PSAPD). Also called: COMBINED SAP DEFICIENCY; PROSAPOSIN DEFICIENCY; Encephalopathy due to prosaposin deficiency. Identifiers: Orphanet 139406, MedGen C2673635, MONDO:0012719, OMIM 611721.

Submission:

Women's Health and Genetics/Laboratory Corporation of America, LabCorp
Classification: Likely pathogenic for Combined PSAP deficiency. Last evaluated: 2025-02-03. Review status: criteria provided, single submitter. Criteria: LabCorp Variant Classification Summary - May 2015. Collection method: clinical testing. Allele origin: germline.
Comment: Variant summary: The variant involves the duplication of exons 2-6 in the PSAP gene. A presumed nomenclature of c.(40+1_41-1)_(720+1_721-1)dup has been designated for the purposes of this classification. It is assumed to be a tandem duplication in direct orientation (PMIDs: 25640679, 30054569). This Copy Number Variant (CNV) is expected to alter the reading frame and predicted to result in a truncation or absence of the encoded protein due to nonsense mediated decay (NMD). The variant was absent in 21694 control chromosomes. To our knowledge, no occurrence of similar copy number variants in individuals affected with Combined PSAP deficiency and no experimental evidence demonstrating its impact on protein function have been reported. ClinVar contains an entry for a similar copy number variant (Variation ID: 832143). Based on the evidence outlined above, the variant was classified as likely pathogenic.

NC_000010.10:g.(73585651_73587770)_(73594263_73610938)dup

Gene: PSAP (prosaposin; minus strand). Cytogenetic location: 10q22.1.
Variant type: Duplication.
Identifiers: ClinVar variation 3768793 (VCV003768793.1).